The following is an entry in ClinVar:

ClinVar aggregate classification (germline): Uncertain significance (1 of 4 stars; one submission).

Conditions:
Cutis laxa, autosomal dominant 3 (ADCL3). Identifiers: Orphanet 90348, MedGen C4225268, MONDO:0014706, OMIM 616603.
Autosomal dominant spastic paraplegia type 9. Identifiers: MedGen C1832669, MONDO:0015091.
de Barsy syndrome. Also called: Cutis laxa-corneal clouding-oligophrenia syndrome. Identifiers: Orphanet 2962, MedGen C0268354, MONDO:0017569.

Submission:

Labcorp Genetics (formerly Invitae), Labcorp
Classification: Uncertain significance for Autosomal dominant spastic paraplegia type 9; de Barsy syndrome; Cutis laxa, autosomal dominant 3. Last evaluated: 2024-03-27. Review status: criteria provided, single submitter. Criteria: Invitae Variant Classification Sherloc (09022015). Collection method: clinical testing. Allele origin: germline.
Comment: This sequence change replaces aspartic acid, which is acidic and polar, with glutamic acid, which is acidic and polar, at codon 544 of the ALDH18A1 protein (p.Asp544Glu). This variant is not present in population databases (gnomAD no frequency). This variant has not been reported in the literature in individuals affected with ALDH18A1-related conditions. Advanced modeling of protein sequence and biophysical properties (such as structural, functional, and spatial information, amino acid conservation, physicochemical variation, residue mobility, and thermodynamic stability) performed at Invitae indicates that this missense variant is not expected to disrupt ALDH18A1 protein function with a negative predictive value of 95%. In summary, the available evidence is currently insufficient to determine the role of this variant in disease. Therefore, it has been classified as a Variant of Uncertain Significance.

NM_002860.4(ALDH18A1):c.1632T>A (p.Asp544Glu)

Gene: ALDH18A1 (aldehyde dehydrogenase 18 family member A1; minus strand). Cytogenetic location: 10q24.1.
Variant type: single nucleotide variant.
Coding change: c.1632T>A on transcript NM_002860.4 (MANE Select); coding-DNA position 1632, T replaced by A.
Protein change: p.Asp544Glu; replaces aspartic acid 544 with glutamic acid.
Molecular consequence: missense variant.
Genome position (GRCh38, 1-based): chr10:95,614,135, A>T on the plus strand (T>A on the coding strand, the complement: ALDH18A1 is on the minus strand). VCF-style: chr10-95614135-A-T. GRCh37 (hg19) VCF-style: chr10-97373892-A-T.
Other names: c.1626T>A, p.Asp542Glu (NM_001017423.2, NM_001323415.2); c.1299T>A, p.Asp433Glu (NM_001323412.2, NM_001323416.2); c.1632T>A, p.Asp544Glu (NM_001323413.2, NM_001323414.2); c.1527T>A, p.Asp509Glu (NM_001323417.2); c.1293T>A, p.Asp431Glu (NM_001323418.2); c.996T>A, p.Asp332Glu (NM_001323419.2); short protein forms D542E, D544E, D332E, D431E, D433E, D509E.
Identifiers: ClinVar variation 3755550 (VCV003755550.2).